The following is an entry in ClinVar:

ClinVar aggregate classification (germline): Benign/Likely benign. Review status: criteria provided, multiple submitters, no conflicts (2 of 4 stars). 9 submissions from 3 submitters: Benign (7); Likely benign (2). Last evaluated 2021-05-11.

Conditions:
Acromicric dysplasia (ACMICD). Also called: Acromicric skeletal dysplasia. Identifiers: Orphanet 969, MedGen C0265287, MONDO:0007055, OMIM 102370.
Stiff skin syndrome (SSKS). Identifiers: Orphanet 2833, MedGen C1861456, MONDO:0008492, OMIM 184900.
Geleophysic dysplasia. Identifiers: Orphanet 2623, MedGen C3489726, MONDO:0000127.
Weill-Marchesani syndrome. Also called: WM Syndrome; Mesodermal dysmorphodystrophy congenital. Identifiers: Orphanet 3449, MedGen C0265313, MONDO:0018096.
Ectopia lentis 1, isolated, autosomal dominant (ECTOL1). Identifiers: Orphanet 1885, MedGen C3541518, MONDO:0007514, OMIM 129600.
Familial thoracic aortic aneurysm and aortic dissection (TAAD). Also called: Thoracic aortic aneurysms and dissections. Identifiers: Orphanet 91387, MedGen C4707243, MONDO:0019625.
Marfan syndrome (MFS). Also called: Marfan syndrome type 1; Marfan's syndrome; MARFAN SYNDROME, TYPE I; Marfan syndrome, classic; FBN1-Related Marfan Syndrome. Identifiers: Orphanet 284963, Orphanet 558, MedGen C0024796, MONDO:0007947, OMIM 154700.

Allele frequency attached by ClinVar (database versions not stated): gnomAD 0.01328; TOPMed 0.01958; 1000 Genomes Project 30x 0.03701; 1000 Genomes Project 0.03914.

Submissions (9):

GeneDx
Classification: Likely benign. Last evaluated: 2021-05-11. Review status: criteria provided, single submitter. Criteria: GeneDx Variant Classification Process June 2021. Collection method: clinical testing. Allele origin: germline. Affected: yes.

Illumina Laboratory Services, Illumina
Classification: Benign for Weill-Marchesani syndrome. Last evaluated: 2018-01-13. Review status: criteria provided, single submitter. Criteria: ICSL Variant Classification Criteria 13 December 2019. Collection method: clinical testing. Allele origin: germline.
Comment: This variant was observed in the ICSL laboratory as part of a predisposition screen in an ostensibly healthy population. It had not been previously curated by ICSL or reported in the Human Gene Mutation Database (HGMD: prior to June 1st, 2018), and was therefore a candidate for classification through an automated scoring system. Utilizing variant allele frequency, disease prevalence and penetrance estimates, and inheritance mode, an automated score was calculated to assess if this variant is too frequent to cause the disease. Based on the score and internal cut-off values, a variant classified as benign is not then subjected to further curation. The score for this variant resulted in a classification of benign for this disease.

Illumina Laboratory Services, Illumina
Classification: Benign for Ectopia lentis 1, isolated, autosomal dominant. Last evaluated: 2018-01-13. Review status: criteria provided, single submitter. Criteria: ICSL Variant Classification Criteria 13 December 2019. Collection method: clinical testing. Allele origin: germline.
Comment: the same text as in the submission from Illumina Laboratory Services, Illumina above.

Illumina Laboratory Services, Illumina
Classification: Benign for Marfan syndrome. Last evaluated: 2018-01-13. Review status: criteria provided, single submitter. Criteria: ICSL Variant Classification Criteria 13 December 2019. Collection method: clinical testing. Allele origin: germline.
Comment: the same text as in the submission from Illumina Laboratory Services, Illumina above.

Illumina Laboratory Services, Illumina
Classification: Benign for Familial thoracic aortic aneurysm and aortic dissection. Last evaluated: 2018-01-13. Review status: criteria provided, single submitter. Criteria: ICSL Variant Classification Criteria 13 December 2019. Collection method: clinical testing. Allele origin: germline.
Comment: the same text as in the submission from Illumina Laboratory Services, Illumina above.

Illumina Laboratory Services, Illumina
Classification: Benign for Acromicric dysplasia. Last evaluated: 2018-01-13. Review status: criteria provided, single submitter. Criteria: ICSL Variant Classification Criteria 13 December 2019. Collection method: clinical testing. Allele origin: germline.
Comment: the same text as in the submission from Illumina Laboratory Services, Illumina above.

Illumina Laboratory Services, Illumina
Classification: Benign for Geleophysic dysplasia. Last evaluated: 2018-01-13. Review status: criteria provided, single submitter. Criteria: ICSL Variant Classification Criteria 13 December 2019. Collection method: clinical testing. Allele origin: germline.
Comment: the same text as in the submission from Illumina Laboratory Services, Illumina above.

Illumina Laboratory Services, Illumina
Classification: Benign for Stiff skin syndrome. Last evaluated: 2018-01-13. Review status: criteria provided, single submitter. Criteria: ICSL Variant Classification Criteria 13 December 2019. Collection method: clinical testing. Allele origin: germline.
Comment: the same text as in the submission from Illumina Laboratory Services, Illumina above.

Breakthrough Genomics
Classification: Likely benign. Review status: criteria provided, single submitter. Criteria: ACMG Guidelines, 2015. Collection method: not provided. Allele origin: germline. Inheritance: Autosomal dominant inheritance. Affected: yes.

NM_000138.5(FBN1):c.*1368A>G

Gene: FBN1 (fibrillin 1; minus strand). Cytogenetic location: 15q21.1.
Variant type: single nucleotide variant.
Coding change: c.*1368A>G on transcript NM_000138.5 (MANE Select); 1368 bases downstream of the stop codon, A replaced by G.
Molecular consequence: 3 prime UTR variant.
Genome position (GRCh38, 1-based): chr15:48,409,622, T>C on the plus strand (A>G on the coding strand, the complement: FBN1 is on the minus strand). VCF-style: chr15-48409622-T-C. GRCh37 (hg19) VCF-style: chr15-48701819-T-C.
Identifiers: ClinVar variation 316336 (VCV000316336.7), dbSNP rs77212138, ClinGen allele CA10646172.
Genomic context (GRCh38, chr15:48,409,622, plus strand): 5'-AAAATTATGACATTAAGAAACCAAAAGTTACAGCAATTGGATACAGTCTGGGATTATCCC[T>C]TTGTAATTAGATGAGCATTGACTAACGAAAGATGTTTAGGGGAAAAAAAAATGGAACAGA-3'